The following is an entry in ClinVar:

NM_032776.3(JMJD1C):c.6049G>C (p.Glu2017Gln)

Gene: JMJD1C (jumonji domain containing 1C; minus strand). Cytogenetic location: 10q21.3.
Variant type: single nucleotide variant.
Coding change: c.6049G>C on transcript NM_032776.3 (MANE Select); coding-DNA position 6049, G replaced by C.
Protein change: p.Glu2017Gln; replaces glutamic acid 2017 with glutamine.
Molecular consequence: missense variant. On other transcripts: non-coding transcript variant (1).
Genome position (GRCh38, 1-based): chr10:63,192,965, C>G on the plus strand (G>C on the coding strand, the complement: JMJD1C is on the minus strand). VCF-style: chr10-63192965-C-G. GRCh37 (hg19) VCF-style: chr10-64952725-C-G.
Other names: c.5503G>C, p.Glu1835Gln (NM_001282948.2, NM_001318154.2); c.5185G>C, p.Glu1729Gln (NM_001318153.2); c.5935G>C, p.Glu1979Gln (NM_001322252.2); c.5392G>C, p.Glu1798Gln (NM_001322254.2, NM_001322258.2); short protein forms E1729Q, E2017Q, E1979Q, E1798Q, E1835Q.
Identifiers: ClinVar variation 854056 (VCV000854056.9), dbSNP rs752843189, ClinGen allele CA5517971.

ClinVar aggregate classification (germline): Uncertain significance (1 of 4 stars; one submission).

Conditions:
Early Myoclonic Encephalopathy. Identifiers: MedGen C0270855.

Allele frequency attached by ClinVar (database versions not stated): gnomAD 0.00003 and 0.00002; gnomAD exomes 0.00004 and 0.00003; TOPMed 0.00005; ExAC 0.00001.
gnomAD v4.1: 43 of 1,613,890 alleles (0.0027%); highest among the groups gnomAD compares: Admixed American, 0.02%; no homozygotes.

Submission:

Labcorp Genetics (formerly Invitae), Labcorp
Classification: Uncertain significance for Early Myoclonic Encephalopathy. Last evaluated: 2025-04-11. Review status: criteria provided, single submitter. Criteria: Invitae Variant Classification Sherloc (09022015). Collection method: clinical testing. Allele origin: germline.
Comment: This sequence change replaces glutamic acid, which is acidic and polar, with glutamine, which is neutral and polar, at codon 2017 of the JMJD1C protein (p.Glu2017Gln). This variant is present in population databases (rs752843189, gnomAD 0.03%). This variant has not been reported in the literature in individuals affected with JMJD1C-related conditions. ClinVar contains an entry for this variant (Variation ID: 854056). Invitae Evidence Modeling of protein sequence and biophysical properties (such as structural, functional, and spatial information, amino acid conservation, physicochemical variation, residue mobility, and thermodynamic stability) indicates that this missense variant is expected to disrupt JMJD1C protein function with a positive predictive value of 80%. In summary, the available evidence is currently insufficient to determine the role of this variant in disease. Therefore, it has been classified as a Variant of Uncertain Significance.